The following is an entry in ClinVar:

NM_053025.4(MYLK):c.1781G>A (p.Cys594Tyr)

Gene: MYLK (myosin light chain kinase; minus strand). Cytogenetic location: 3q21.1.
Variant type: single nucleotide variant.
Coding change: c.1781G>A on transcript NM_053025.4 (MANE Select); coding-DNA position 1781, G replaced by A.
Protein change: p.Cys594Tyr; replaces cysteine 594 with tyrosine.
Molecular consequence: missense variant.
Genome position (GRCh38, 1-based): chr3:123,722,151, C>T on the plus strand (G>A on the coding strand, the complement: MYLK is on the minus strand). VCF-style: chr3-123722151-C-T. GRCh37 (hg19) VCF-style: chr3-123440998-C-T.
Other names: c.1253G>A, p.Cys418Tyr (NM_001321309.2); c.1574G>A, p.Cys525Tyr (NM_053026.4, NM_053028.4); c.1781G>A, p.Cys594Tyr (NM_053027.4); short protein forms C525Y, C594Y, C418Y.
Identifiers: ClinVar variation 3915784 (VCV003915784.2).

ClinVar aggregate classification (germline): Uncertain significance. Review status: criteria provided, multiple submitters, no conflicts (2 of 4 stars). 2 submissions from 2 submitters: Uncertain significance (2). Last evaluated 2025-12-11.

Conditions:
Familial thoracic aortic aneurysm and aortic dissection (TAAD). Also called: Thoracic aortic aneurysms and dissections. Identifiers: Orphanet 91387, MedGen C4707243, MONDO:0019625.
Aortic aneurysm, familial thoracic 7 (AAT7). Also called: AORTIC DISSECTION, FAMILIAL, WITH OR WITHOUT AORTIC ANEURYSM. Identifiers: MedGen C3151077, MONDO:0013418, OMIM 613780.

gnomAD v4.1: 1 of 1,566,192 alleles (0.000064%); highest among the groups gnomAD compares: Non-Finnish European, 0.000087%; no homozygotes.

Submissions (2):

Labcorp Genetics (formerly Invitae), Labcorp
Classification: Uncertain significance for Aortic aneurysm, familial thoracic 7. Last evaluated: 2025-12-11. Review status: criteria provided, single submitter. Criteria: Invitae Variant Classification Sherloc (09022015). Collection method: clinical testing. Allele origin: germline.
Comment: This sequence change replaces cysteine, which is neutral and slightly polar, with tyrosine, which is neutral and polar, at codon 594 of the MYLK protein (p.Cys594Tyr). This variant is not present in population databases (gnomAD no frequency). This variant has not been reported in the literature in individuals affected with MYLK-related conditions. ClinVar contains an entry for this variant (Variation ID: 3915784). Invitae Evidence Modeling of protein sequence and biophysical properties (such as structural, functional, and spatial information, amino acid conservation, physicochemical variation, residue mobility, and thermodynamic stability) indicates that this missense variant is not expected to disrupt MYLK protein function with a negative predictive value of 80%. In summary, the available evidence is currently insufficient to determine the role of this variant in disease. Therefore, it has been classified as a Variant of Uncertain Significance.

Ambry Genetics
Classification: Uncertain significance for Familial thoracic aortic aneurysm and aortic dissection. Last evaluated: 2025-05-28. Review status: criteria provided, single submitter. Criteria: Ambry Variant Classification Scheme 2023. Collection method: clinical testing. Allele origin: germline.